The following is an entry in ClinVar:

ClinVar aggregate classification (germline): Conflicting classifications of pathogenicity. Review status: criteria provided, conflicting classifications (1 of 4 stars). 5 submissions from 5 submitters: Uncertain significance (3); Likely benign (1). 1 of the submissions does not count toward it. Last evaluated 2026-01-27.

Conditions:
Hereditary cancer-predisposing syndrome. Also called: Neoplastic Syndromes, Hereditary; Tumor predisposition; Hereditary neoplastic syndrome; Hereditary Cancer Syndrome. Identifiers: Orphanet 140162, MedGen C0027672, MeSH D009386, MONDO:0015356.
Hereditary breast ovarian cancer syndrome. Also called: Hereditary breast and ovarian cancer syndrome; Hereditary breast and ovarian cancer; Hereditary breast and ovarian cancer syndrome (HBOC); Breast and ovarian cancer; Hereditary breast and/or ovarian cancer syndrome; BRCA1- and BRCA2-Associated Hereditary Breast and Ovarian Cancer. Identifiers: Orphanet 145, MedGen C0677776, MeSH D061325, MONDO:0003582. Disease mechanism: loss of function.
BRCA2-related cancer predisposition. Identifiers: MedGen CN377758, MONDO:0700269.
Breast-ovarian cancer, familial, susceptibility to, 2 (BROVCA2). Also called: BRCA2 Hereditary Breast and Ovarian Cancer. Identifiers: Orphanet 145, MedGen C2675520, MONDO:0012933, OMIM 612555. Disease mechanism: loss of function.

Allele frequency attached by ClinVar (database versions not stated): TOPMed 0.00001.

Submissions (5):

Labcorp Genetics (formerly Invitae), Labcorp
Classification: Uncertain significance for Hereditary breast ovarian cancer syndrome. Last evaluated: 2026-01-27. Review status: criteria provided, single submitter. Criteria: Invitae Variant Classification Sherloc (09022015). Collection method: clinical testing. Allele origin: germline.
Comment: This sequence change replaces arginine, which is basic and polar, with glycine, which is neutral and non-polar, at codon 2027 of the BRCA2 protein (p.Arg2027Gly). This variant is not present in population databases (gnomAD no frequency). This missense change has been observed in individual(s) with clinical features of BRCA2-related conditions (PMID: 10923033). ClinVar contains an entry for this variant (Variation ID: 52004). Invitae Evidence Modeling of protein sequence and biophysical properties (such as structural, functional, and spatial information, amino acid conservation, physicochemical variation, residue mobility, and thermodynamic stability) indicates that this missense variant is not expected to disrupt BRCA2 protein function with a negative predictive value of 95%. In summary, the available evidence is currently insufficient to determine the role of this variant in disease. Therefore, it has been classified as a Variant of Uncertain Significance.

Ambry Genetics
Classification: Uncertain significance for Hereditary cancer-predisposing syndrome. Last evaluated: 2025-10-22. Review status: criteria provided, single submitter. Criteria: Ambry Variant Classification Scheme 2023. Collection method: clinical testing. Allele origin: germline.
Comment: The p.R2027G variant (also known as c.6079A>G), located in coding exon 10 of the BRCA2 gene, results from an A to G substitution at nucleotide position 6079. The arginine at codon 2027 is replaced by glycine, an amino acid with dissimilar properties. This amino acid position is conserved. In addition, this alteration is predicted to be tolerated by in silico analysis. Since supporting evidence is limited at this time, the clinical significance of this alteration remains unclear.

All of Us Research Program, National Institutes of Health
Classification: Uncertain significance for BRCA2-related cancer predisposition. Last evaluated: 2024-09-23. Review status: criteria provided, single submitter. Criteria: ACMG Guidelines, 2015. Collection method: clinical testing. Allele origin: germline. Inheritance: Autosomal dominant inheritance. Observed: 2 variant alleles, 2 heterozygotes.
Comment: This study involves interpretation of variants in research participants for the purpose of population health screening. Participant phenotype was not available at the time of variant classification. Additional details can be found in publication PMID: 35346344, PMCID: PMC8962531

University of Washington Department of Laboratory Medicine, University of Washington
Classification: Likely benign for Hereditary cancer-predisposing syndrome. Last evaluated: 2023-03-23. Review status: criteria provided, single submitter. Criteria: Dines et al. (Genet Med. 2020). Collection method: curation. Allele origin: germline.
Comment: Missense variant in a coldspot region where missense variants are very unlikely to be pathogenic (PMID:31911673).

BRCA2 exon 11 coldspot. Reclassification based on statistical prior probability.

Breast Cancer Information Core (BIC) (BRCA2)
Classification: Uncertain significance for Breast-ovarian cancer, familial 2. Last evaluated: 2003-12-23. Review status: no assertion criteria provided. Collection method: clinical testing. Allele origin: germline. Affected: yes. Observed: 1 variant allele. Not counted in ClinVar's aggregate classification.

Literature cited by the submitters: PubMed 10923033 (cited by Labcorp Genetics (formerly Invitae), Labcorp).

NM_000059.4(BRCA2):c.6079A>G (p.Arg2027Gly)

Gene: BRCA2 (BRCA2 DNA repair associated; plus strand). Cytogenetic location: 13q13.1.
Variant type: single nucleotide variant.
Coding change: c.6079A>G on transcript NM_000059.4 (MANE Select); coding-DNA position 6079, A replaced by G.
Protein change: p.Arg2027Gly; replaces arginine 2027 with glycine.
Molecular consequence: missense variant.
Genome position (GRCh38, 1-based): chr13:32,340,434, A>G. VCF-style: chr13-32340434-A-G. GRCh37 (hg19) VCF-style: chr13-32914571-A-G.
Other names: short protein forms R2027G.
Identifiers: ClinVar variation 52004 (VCV000052004.16), dbSNP rs80358846, ClinGen allele CA023620.